The following is an entry in ClinVar:

NM_001130009.3(GEN1):c.2417G>A (p.Ser806Asn)

Gene: GEN1 (GEN1 Holliday junction 5' flap endonuclease; plus strand). Cytogenetic location: 2p24.2.
Variant type: single nucleotide variant.
Coding change: c.2417G>A on transcript NM_001130009.3 (MANE Select); coding-DNA position 2417, G replaced by A.
Protein change: p.Ser806Asn; replaces serine 806 with asparagine.
Molecular consequence: missense variant.
Genome position (GRCh38, 1-based): chr2:17,781,629, G>A. VCF-style: chr2-17781629-G-A. GRCh37 (hg19) VCF-style: chr2-17962896-G-A.
Other names: c.2417G>A, p.Ser806Asn (NM_182625.5); short protein forms S806N.
Identifiers: ClinVar variation 3853532 (VCV003853532.1).
Genomic context (GRCh38, chr2:17,781,629, plus strand): 5'-CTCGGAAAATTTTAATGAAGAAGAGTGTTTGCCTTGACAGACATTCCTCTGATGAACAAA[G>A]TGCCCCAGTGTTTGGGAAAGCTAAGTACACAACTCAAAGAATGAAGCACAGTTCTCAAAA-3'
Protein context (NP_001123481.3, residues 796-816): CLDRHSSDEQ[Ser806Asn]APVFGKAKYT

ClinVar aggregate classification (germline): Uncertain significance (1 of 4 stars; one submission).

Submission:

Ambry Genetics
Classification: Uncertain significance. Last evaluated: 2025-01-27. Review status: criteria provided, single submitter. Criteria: Ambry Variant Classification Scheme 2023. Collection method: clinical testing. Allele origin: germline.
Comment: The p.S806N variant (also known as c.2417G>A), located in coding exon 13 of the GEN1 gene, results from a G to A substitution at nucleotide position 2417. The serine at codon 806 is replaced by asparagine, an amino acid with highly similar properties. This amino acid position is conserved. In addition, this alteration is predicted to be tolerated by in silico analysis. Based on the available evidence, the clinical significance of this variant remains unclear.